The following is an entry in ClinVar:

NM_001080779.2(MYO1C):c.859G>A (p.Val287Ile)

Gene: MYO1C (myosin IC; minus strand). Cytogenetic location: 17p13.3.
Variant type: single nucleotide variant.
Coding change: c.859G>A on transcript NM_001080779.2 (MANE Select); coding-DNA position 859, G replaced by A.
Protein change: p.Val287Ile; replaces valine 287 with isoleucine.
Molecular consequence: missense variant.
Genome position (GRCh38, 1-based): chr17:1,480,574, C>T on the plus strand (G>A on the coding strand, the complement: MYO1C is on the minus strand). VCF-style: chr17-1480574-C-T. GRCh37 (hg19) VCF-style: chr17-1383868-C-T.
Other names: NC_000017.10:g.1383868C>T; c.802G>A, p.Val268Ile (NM_001080950.2); c.787G>A, p.Val263Ile (NM_001363855.1); c.754G>A, p.Val252Ile (NM_033375.5); short protein forms V252I, V287I, V268I, V263I.
Identifiers: ClinVar variation 513069 (VCV000513069.6), dbSNP rs117696188, ClinGen allele CA8267820.

ClinVar aggregate classification (germline): Likely benign. Review status: criteria provided, single submitter (1 of 4 stars). 2 submissions from 2 submitters: Likely benign (1). 1 of the submissions does not count toward it. Last evaluated 2019-03-05.

Conditions:
MYO1C-related disorder. Also called: MYO1C-related condition.

Allele frequency attached by ClinVar (database versions not stated): 1000 Genomes Project 30x 0.00078; 1000 Genomes Project 0.00080; ExAC 0.00213; gnomAD exomes 0.00229; TOPMed 0.00239; gnomAD 0.00261 and 0.00290; ESP Exome Variant Server 0.00331.
gnomAD v4.1: 5,609 of 1,614,192 alleles (0.35%); highest among the groups gnomAD compares: Non-Finnish European, 0.43%; 16 homozygotes.

Submissions (16):

GeneDx
Classification: Likely benign. Last evaluated: 2019-03-05. Review status: criteria provided, single submitter. Criteria: GeneDx Variant Classification Process June 2021. Collection method: clinical testing. Allele origin: germline. Affected: yes.

PreventionGenetics, part of Exact Sciences
Classification: Likely benign for MYO1C-related condition. Last evaluated: 2022-06-06. Review status: no assertion criteria provided. Collection method: clinical testing. Allele origin: germline. Not counted in ClinVar's aggregate classification.
Comment: This variant is classified as likely benign based on ACMG/AMP sequence variant interpretation guidelines (Richards et al. 2015 PMID: 25741868, with internal and published modifications).

Dr. Peter K. Rogan Lab, Western University
No classification provided (evidence only). Condition: Clear cell carcinoma of kidney. Review status: no classification provided. Collection method: in vitro. Allele origin: not applicable. Functional consequence: retained intron. Not counted in ClinVar's aggregate classification.

Dr. Peter K. Rogan Lab, Western University
No classification provided (evidence only). Condition: Clear cell carcinoma of kidney. Review status: no classification provided. Collection method: in vitro. Allele origin: not applicable. Functional consequence: retained intron. Not counted in ClinVar's aggregate classification.

Dr. Peter K. Rogan Lab, Western University
No classification provided (evidence only). Condition: Clear cell carcinoma of kidney. Review status: no classification provided. Collection method: in vitro. Allele origin: not applicable. Functional consequence: retained intron. Not counted in ClinVar's aggregate classification.

Dr. Peter K. Rogan Lab, Western University
No classification provided (evidence only). Condition: Clear cell carcinoma of kidney. Review status: no classification provided. Collection method: in vitro. Allele origin: not applicable. Functional consequence: retained intron. Not counted in ClinVar's aggregate classification.

Dr. Peter K. Rogan Lab, Western University
No classification provided (evidence only). Condition: Familial cancer of breast. Review status: no classification provided. Collection method: in vitro. Allele origin: not applicable. Functional consequence: retained intron. Not counted in ClinVar's aggregate classification.

Dr. Peter K. Rogan Lab, Western University
No classification provided (evidence only). Condition: Familial cancer of breast. Review status: no classification provided. Collection method: in vitro. Allele origin: not applicable. Functional consequence: retained intron. Not counted in ClinVar's aggregate classification.

Dr. Peter K. Rogan Lab, Western University
No classification provided (evidence only). Condition: Familial cancer of breast. Review status: no classification provided. Collection method: in vitro. Allele origin: not applicable. Functional consequence: skipped exon, retained intron. Not counted in ClinVar's aggregate classification.

Dr. Peter K. Rogan Lab, Western University
No classification provided (evidence only). Condition: Thyroid cancer, nonmedullary, 1. Review status: no classification provided. Collection method: in vitro. Allele origin: not applicable. Functional consequence: retained intron. Not counted in ClinVar's aggregate classification.

Dr. Peter K. Rogan Lab, Western University
No classification provided (evidence only). Condition: Ovarian serous cystadenocarcinoma. Review status: no classification provided. Collection method: in vitro. Allele origin: not applicable. Functional consequence: retained intron. Not counted in ClinVar's aggregate classification.

Dr. Peter K. Rogan Lab, Western University
No classification provided (evidence only). Condition: Gastric cancer. Review status: no classification provided. Collection method: in vitro. Allele origin: not applicable. Functional consequence: retained intron. Not counted in ClinVar's aggregate classification.

Dr. Peter K. Rogan Lab, Western University
No classification provided (evidence only). Condition: Gastric cancer. Review status: no classification provided. Collection method: in vitro. Allele origin: not applicable. Functional consequence: retained intron. Not counted in ClinVar's aggregate classification.

Dr. Peter K. Rogan Lab, Western University
No classification provided (evidence only). Condition: Gastric cancer. Review status: no classification provided. Collection method: in vitro. Allele origin: not applicable. Functional consequence: retained intron. Not counted in ClinVar's aggregate classification.

Dr. Peter K. Rogan Lab, Western University
No classification provided (evidence only). Condition: Gastric cancer. Review status: no classification provided. Collection method: in vitro. Allele origin: not applicable. Functional consequence: retained intron. Not counted in ClinVar's aggregate classification.

Dr. Peter K. Rogan Lab, Western University
No classification provided (evidence only). Condition: Malignant tumor of esophagus. Review status: no classification provided. Collection method: in vitro. Allele origin: not applicable. Functional consequence: skipped exon, retained intron. Not counted in ClinVar's aggregate classification.